The following is an entry in ClinVar:

NM_001330260.2(SCN8A):c.4759A>T (p.Ile1587Phe)

Gene: SCN8A (sodium voltage-gated channel alpha subunit 8; plus strand). Cytogenetic location: 12q13.13.
Variant type: single nucleotide variant.
Coding change: c.4759A>T on transcript NM_001330260.2 (MANE Select); coding-DNA position 4759, A replaced by T.
Protein change: p.Ile1587Phe; replaces isoleucine 1587 with phenylalanine.
Molecular consequence: missense variant.
Genome position (GRCh38, 1-based): chr12:51,794,605, A>T. VCF-style: chr12-51794605-A-T. GRCh37 (hg19) VCF-style: chr12-52188389-A-T.
Other names: c.4636A>T, p.Ile1546Phe (NM_001177984.3, NM_001369788.1); c.4759A>T, p.Ile1587Phe (NM_014191.4); short protein forms I1587F, I1546F.
Identifiers: ClinVar variation 2693142 (VCV002693142.3), dbSNP rs2540315993, ClinGen allele CA384879308.

ClinVar aggregate classification (germline): Uncertain significance (1 of 4 stars; one submission).

Conditions:
Early-infantile DEE. Also called: Ohtahara syndrome; Early infantile epileptic encephalopathy with suppression bursts; Early infantile epileptic encephalopathy. Identifiers: Orphanet 1934, MedGen C0393706, MONDO:0800491.

Submission:

Labcorp Genetics (formerly Invitae), Labcorp
Classification: Uncertain significance for Early-infantile DEE. Last evaluated: 2023-11-04. Review status: criteria provided, single submitter. Criteria: Invitae Variant Classification Sherloc (09022015). Collection method: clinical testing. Allele origin: germline.
Comment: This sequence change replaces isoleucine, which is neutral and non-polar, with phenylalanine, which is neutral and non-polar, at codon 1587 of the SCN8A protein (p.Ile1587Phe). This variant is not present in population databases (gnomAD no frequency). This variant has not been reported in the literature in individuals affected with SCN8A-related conditions. Advanced modeling of protein sequence and biophysical properties (such as structural, functional, and spatial information, amino acid conservation, physicochemical variation, residue mobility, and thermodynamic stability) performed at Invitae indicates that this missense variant is expected to disrupt SCN8A protein function with a positive predictive value of 95%. In summary, the available evidence is currently insufficient to determine the role of this variant in disease. Therefore, it has been classified as a Variant of Uncertain Significance.